The following is an entry in ClinVar:

ClinVar aggregate classification (germline): Uncertain significance (0 of 4 stars; one submission).

Submission:

Department of Pathology and Laboratory Medicine, Sinai Health System
Classification: Uncertain significance. Review status: no assertion criteria provided. Collection method: clinical testing. Allele origin: unknown. Affected: yes. Study: The Canadian Open Genetics Repository (COGR).
Comment: The PKD1 p.Met1092Thr variant was not identified in the literature nor was it identified in the following databases: dbSNP, ClinVar, GeneInsight-COGR, LOVD 3.0, ADPKD Mutation Database, or the PKD1-LOVD. The variant was not identified in the control databases: the 1000 Genomes Project, the NHLBI GO Exome Sequencing Project, the Exome Aggregation Consortium (August 8th 2016), or the Genome Aggregation Database (Feb 27, 2017). The p.Met1092 residue is not conserved in mammals but one out of five computational analyses (PolyPhen-2, SIFT, AlignGVGD, BLOSUM, MutationTaster) suggest that the c.3275_3276delinsCC variant may impact the protein; however, this information is not predictive enough to assume pathogenicity. This variant is an in-frame deletion-insertion resulting in the replacement of a methionine residue for a threonine residue at codon 1092; the impact of this alteration on PKD1 protein function is not known. The variant occurs outside of the splicing consensus sequence and in silico or computational prediction software programs (SpliceSiteFinder, MaxEntScan, NNSPLICE, GeneSplicer, HumanSpliceFinder) do not predict a difference in splicing. In summary, based on the above information the clinical significance of this variant cannot be determined with certainty at this time. This variant is classified as a variant of uncertain significance.

NM_001009944.3(PKD1):c.3275_3276delinsCC (p.Met1092Thr)

Gene: PKD1 (polycystin 1, transient receptor potential channel interacting; minus strand). Cytogenetic location: 16p13.3.
Variant type: Indel.
Coding change: c.3275_3276delinsCC on transcript NM_001009944.3 (MANE Select); coding-DNA positions 3275 to 3276, TG replaced by CC.
Protein change: p.Met1092Thr; replaces methionine 1092 with threonine.
Molecular consequence: missense variant.
Genome position (GRCh38, 1-based): chr16:2,112,359-2,112,360, CA replaced by GG on the plus strand (TG replaced by CC on the coding strand, the reverse complement: PKD1 is on the minus strand). VCF-style: chr16-2112359-CA-GG. GRCh37 (hg19) VCF-style: chr16-2162360-CA-GG.
Other names: c.3275_3276delinsCC, p.Met1092Thr (NM_000296.4); short protein forms M1092T.
Identifiers: ClinVar variation 1048890 (VCV001048890.1), dbSNP rs2151804169, ClinGen allele CA2499223385.